The following is an entry in ClinVar:

ClinVar aggregate classification (germline): Uncertain significance (1 of 4 stars; one submission).

Conditions:
Leukocyte adhesion deficiency 1 (LAD1). Also called: LEUKOCYTE ADHESION DEFICIENCY, TYPE I; LAD 1; Lymphocyte function-associated antigen 1 immunodeficiency; LFA 1 immunodeficiency. Identifiers: Orphanet 2968, Orphanet 99842, MedGen C0398738, MONDO:0007293, OMIM 116920.

Submission:

Labcorp Genetics (formerly Invitae), Labcorp
Classification: Uncertain significance for Leukocyte adhesion deficiency 1. Last evaluated: 2022-06-13. Review status: criteria provided, single submitter. Criteria: Invitae Variant Classification Sherloc (09022015). Collection method: clinical testing. Allele origin: germline.
Comment: Algorithms developed to predict the effect of missense changes on protein structure and function (SIFT, PolyPhen-2, Align-GVGD) all suggest that this variant is likely to be disruptive. In summary, the available evidence is currently insufficient to determine the role of this variant in disease. Therefore, it has been classified as a Variant of Uncertain Significance. This variant has not been reported in the literature in individuals affected with ITGB2-related conditions. This variant is not present in population databases (gnomAD no frequency). This sequence change replaces proline, which is neutral and non-polar, with serine, which is neutral and polar, at codon 41 of the ITGB2 protein (p.Pro41Ser).

NM_000211.5(ITGB2):c.121C>T (p.Pro41Ser)

Gene: ITGB2 (integrin subunit beta 2; minus strand). Cytogenetic location: 21q22.3.
Variant type: single nucleotide variant.
Coding change: c.121C>T on transcript NM_000211.5 (MANE Select); coding-DNA position 121, C replaced by T.
Protein change: p.Pro41Ser; replaces proline 41 with serine.
Molecular consequence: missense variant. On other transcripts: 5 prime UTR variant (1).
Genome position (GRCh38, 1-based): chr21:44,910,310, G>A on the plus strand (C>T on the coding strand, the complement: ITGB2 is on the minus strand). VCF-style: chr21-44910310-G-A. GRCh37 (hg19) VCF-style: chr21-46330225-G-A.
Other names: c.121C>T, p.Pro41Ser (NM_001127491.3); c.-87C>T (NM_001303238.2); short protein forms P41S.
Identifiers: ClinVar variation 1498157 (VCV001498157.6), dbSNP rs2146546214, ClinGen allele CA410480673.